The following is an entry in ClinVar:

ClinVar aggregate classification (germline): Pathogenic, low penetrance (1 of 4 stars; one submission).

Conditions:
Age related macular degeneration 4. Identifiers: MedGen C1853147, MONDO:0012540, OMIM 610698.

Submission:

Genomenon, Inc
Classification: Pathogenic, low penetrance for Age related macular degeneration 4. Last evaluated: 2025-10-02. Review status: criteria provided, single submitter. Criteria: Genomenon Sequence Variant Interpretation Standards - Updated. Collection method: curation. Allele origin: germline. Affected: yes.
Comment: CFH p.Gln1076Ter (c.3226C>T) is a nonsense variant that introduces a premature stop codon at amino acid position 1076, creating a truncated protein that is predicted to undergo nonsense-mediated mRNA decay. This variant has been observed in at least one proband affected with age-related macular degeneration (PMID:29686068). It is absent or not present at a significant frequency in gnomAD. In conclusion, we classify CFH p.Gln1076Ter (c.3226C>T) as a pathogenic, low penetrance variant.

Literature cited by the submitters: PubMed 29686068.

NM_000186.4(CFH):c.3226C>T (p.Gln1076Ter)

Gene: CFH (complement factor H; plus strand). Cytogenetic location: 1q31.3.
Variant type: single nucleotide variant.
Coding change: c.3226C>T on transcript NM_000186.4 (MANE Select); coding-DNA position 3226, C replaced by T.
Protein change: p.Gln1076Ter; replaces glutamine 1076 with a stop codon.
Molecular consequence: nonsense.
Genome position (GRCh38, 1-based): chr1:196,743,544, C>T. VCF-style: chr1-196743544-C-T. GRCh37 (hg19) VCF-style: chr1-196712674-C-T.
Other names: short protein forms Q1076*.
Identifiers: ClinVar variation 4291547 (VCV004291547.1).